The following is an entry in ClinVar:

NM_001369.3(DNAH5):c.10262AAG[1] (p.Glu3422del)

Gene: DNAH5 (dynein axonemal heavy chain 5; minus strand). Cytogenetic location: 5p15.2.
Variant type: Microsatellite.
Coding change: c.10262AAG[1] on transcript NM_001369.3 (MANE Select); one copy of the 3-base unit AAG starting at c.10262; the reference has two copies in a row; one copy, 3 bases deleted.
Protein change: p.Glu3422del; deletes glutamic acid 3422.
Molecular consequence: inframe deletion.
Genome position (GRCh38, 1-based): chr5:13,762,736-13,762,738, CTT deleted on the plus strand (AAG on the coding strand, the reverse complement: DNAH5 is on the minus strand); deleting any 3 consecutive bases within chr5:13,762,736-13,762,741 gives the same sequence; the position shown is the placement nearest the transcript's 3' end. VCF-style (leftmost placement, unchanged base first): chr5-13762735-ACTT-A. GRCh37 (hg19) VCF-style: chr5-13762844-ACTT-A.
Other names: short protein forms E3422del.
Identifiers: ClinVar variation 5004427 (VCV005004427.1).

ClinVar aggregate classification (germline): Uncertain significance (1 of 4 stars; one submission).

Conditions:
Primary ciliary dyskinesia 3. Identifiers: Orphanet 244, MedGen C1837618, MONDO:0012085, OMIM 608644.

Submission:

Myriad Genetics, Inc.
Classification: Uncertain significance for Primary ciliary dyskinesia 3. Last evaluated: 2026-01-28. Review status: criteria provided, single submitter. Criteria: Myriad Autosomal Dominant, Autosomal Recessive and X-Linked Classification Criteria (2023). Collection method: clinical testing. Allele origin: unknown.
Comment: NM_001369.2(DNAH5):c.10265_10267delAAG(E3422del) is an in-frame deletion classified as a variant of uncertain significance in the context of primary ciliary dyskinesia, DNAH5-related. E3422del has not been observed in cases with relevant disease. Relevant functional assessments of this variant are not available in the literature. E3422del has not been observed in referenced population frequency databases. In summary, there is insufficient evidence to classify NM_001369.2(DNAH5):c.10265_10267delAAG(E3422del) as pathogenic or benign. Please note: this variant was assessed in the context of healthy population screening.